The following is an entry in ClinVar:

NM_000718.4(CACNA1B):c.4279A>T (p.Met1427Leu)

Gene: CACNA1B (calcium voltage-gated channel subunit alpha1 B; plus strand). Cytogenetic location: 9q34.3.
Variant type: single nucleotide variant.
Coding change: c.4279A>T on transcript NM_000718.4 (MANE Select); coding-DNA position 4279, A replaced by T.
Protein change: p.Met1427Leu; replaces methionine 1427 with leucine.
Molecular consequence: missense variant.
Genome position (GRCh38, 1-based): chr9:138,058,221, A>T. VCF-style: chr9-138058221-A-T. GRCh37 (hg19) VCF-style: chr9-140952673-A-T.
Other names: c.4279A>T, p.Met1427Leu (NM_001243812.2); short protein forms M1427L.
Identifiers: ClinVar variation 2098983 (VCV002098983.3), dbSNP rs1467813027, ClinGen allele CA375814294.

ClinVar aggregate classification (germline): Uncertain significance (1 of 4 stars; one submission).

Allele frequency attached by ClinVar (database versions not stated): gnomAD exomes below 0.00001; TOPMed below 0.00001; gnomAD 0.00001.

Submission:

Labcorp Genetics (formerly Invitae), Labcorp
Classification: Uncertain significance. Last evaluated: 2022-11-22. Review status: criteria provided, single submitter. Criteria: Invitae Variant Classification Sherloc (09022015). Collection method: clinical testing. Allele origin: germline.
Comment: This sequence change replaces methionine, which is neutral and non-polar, with leucine, which is neutral and non-polar, at codon 1427 of the CACNA1B protein (p.Met1427Leu). This variant is present in population databases (no rsID available, gnomAD 0.01%). This variant has not been reported in the literature in individuals affected with CACNA1B-related conditions. Advanced modeling of protein sequence and biophysical properties (such as structural, functional, and spatial information, amino acid conservation, physicochemical variation, residue mobility, and thermodynamic stability) performed at Invitae indicates that this missense variant is not expected to disrupt CACNA1B protein function. In summary, the available evidence is currently insufficient to determine the role of this variant in disease. Therefore, it has been classified as a Variant of Uncertain Significance.